The following is an entry in ClinVar:

NM_000116.5(TAFAZZIN):c.541+5G>A

Gene: TAFAZZIN (tafazzin, phospholipid-lysophospholipid transacylase; plus strand). Cytogenetic location: Xq28.
Variant type: single nucleotide variant.
Coding change: c.541+5G>A on transcript NM_000116.5 (MANE Select); 5 bases into the intron after coding-DNA position 541, G replaced by A.
Molecular consequence: intron variant.
Genome position (GRCh38, 1-based): chrX:154,419,628, G>A. VCF-style: chrX-154419628-G-A. GRCh37 (hg19) VCF-style: chrX-153647967-G-A.
Other names: c.595+5G>A (NM_001303465.2); c.541+5G>A (NM_181312.4); c.451+5G>A (NM_181311.4, NM_181313.4).
Identifiers: ClinVar variation 835040 (VCV000835040.8), dbSNP rs2068571041, ClinGen allele CA916084023.

ClinVar aggregate classification (germline): Uncertain significance (1 of 4 stars; one submission).

Conditions:
3-Methylglutaconic aciduria type 2 (BTHS). Also called: Barth syndrome; CARDIOSKELETAL MYOPATHY WITH NEUTROPENIA AND ABNORMAL MITOCHONDRIA. Identifiers: Orphanet 111, MedGen C0574083, MONDO:0010543, OMIM 302060.

Submission:

Labcorp Genetics (formerly Invitae), Labcorp
Classification: Uncertain significance for 3-Methylglutaconic aciduria type 2. Last evaluated: 2020-01-05. Review status: criteria provided, single submitter. Criteria: Invitae Variant Classification Sherloc (09022015). Collection method: clinical testing. Allele origin: germline.
Comment: Nucleotide substitutions within the consensus splice site are a relatively common cause of aberrant splicing (PMID: 17576681, 9536098). Algorithms developed to predict the effect of sequence changes on RNA splicing suggest that this variant may disrupt the consensus splice site, but this prediction has not been confirmed by published transcriptional studies. This variant has not been reported in the literature in individuals with TAZ-related conditions. This variant is not present in population databases (ExAC no frequency). This sequence change falls in intron 6 of the TAZ gene. It does not directly change the encoded amino acid sequence of the TAZ protein, but it affects a nucleotide within the consensus splice site of the intron. In summary, the available evidence is currently insufficient to determine the role of this variant in disease. Therefore, it has been classified as a Variant of Uncertain Significance.

Literature cited by the submitters: PubMed 17576681; PubMed 9536098.